The following is an entry in ClinVar:

NM_206933.4(USH2A):c.4919T>C (p.Ile1640Thr)

Genes: USH2A (usherin; minus strand), USH2A-AS2 (USH2A antisense RNA 2; plus strand). Cytogenetic location: 1q41.
Variant type: single nucleotide variant.
Coding change: c.4919T>C on transcript NM_206933.4 (MANE Select); coding-DNA position 4919, T replaced by C.
Protein change: p.Ile1640Thr; replaces isoleucine 1640 with threonine.
Molecular consequence: missense variant. On other transcripts: non-coding transcript variant (2).
Genome position (GRCh38, 1-based): chr1:216,086,787, A>G on the plus strand (T>C on the coding strand, the complement: USH2A is on the minus strand). VCF-style: chr1-216086787-A-G. GRCh37 (hg19) VCF-style: chr1-216260129-A-G.
Other names: short protein forms I1640T.
Identifiers: ClinVar variation 1493760 (VCV001493760.4), dbSNP rs2102563226, ClinGen allele CA344859896.

ClinVar aggregate classification (germline): Uncertain significance. Review status: criteria provided, multiple submitters, no conflicts (2 of 4 stars). 2 submissions from 2 submitters: Uncertain significance (2). Last evaluated 2023-10-01.

Conditions:
Retinal dystrophy. Also called: Inherited retinal dystrophy. Identifiers: Orphanet 71862, MedGen C0854723, MeSH D058499, MONDO:0019118, HP:0000556.

Allele frequency attached by ClinVar (database versions not stated): gnomAD exomes below 0.00001.
gnomAD v4.1: 2 of 1,613,074 alleles (0.00012%); highest among the groups gnomAD compares: Non-Finnish European, 0.00017%; no homozygotes.

Submissions (2):

Dept Of Ophthalmology, Nagoya University
Classification: Uncertain significance for Retinal dystrophy. Last evaluated: 2023-10-01. Review status: criteria provided, single submitter. Criteria: Submitter's publication. Collection method: research. Allele origin: germline. Affected: yes.

Labcorp Genetics (formerly Invitae), Labcorp
Classification: Uncertain significance. Last evaluated: 2021-12-22. Review status: criteria provided, single submitter. Criteria: Invitae Variant Classification Sherloc (09022015). Collection method: clinical testing. Allele origin: germline.
Comment: This sequence change replaces isoleucine, which is neutral and non-polar, with threonine, which is neutral and polar, at codon 1640 of the USH2A protein (p.Ile1640Thr). This variant is not present in population databases (gnomAD no frequency). This variant has not been reported in the literature in individuals affected with USH2A-related conditions. Algorithms developed to predict the effect of missense changes on protein structure and function output the following: SIFT: "Tolerated"; PolyPhen-2: "Possibly Damaging"; Align-GVGD: "Class C0". The threonine amino acid residue is found in multiple mammalian species, which suggests that this missense change does not adversely affect protein function. In summary, the available evidence is currently insufficient to determine the role of this variant in disease. Therefore, it has been classified as a Variant of Uncertain Significance.